The following is an entry in ClinVar:

ClinVar aggregate classification (germline): Uncertain significance (1 of 4 stars; one submission).

Submission:

GeneDx
Classification: Uncertain significance. Last evaluated: 2024-03-21. Review status: criteria provided, single submitter. Criteria: GeneDx Variant Classification Process June 2021. Collection method: clinical testing. Allele origin: germline. Affected: yes.
Comment: Not observed at significant frequency in large population cohorts (gnomAD); In silico analysis supports that this missense variant has a deleterious effect on protein structure/function; Has not been previously published as pathogenic or benign to our knowledge

NM_012330.4(KAT6B):c.4630G>A (p.Ala1544Thr)

Gene: KAT6B (lysine acetyltransferase 6B; plus strand). Cytogenetic location: 10q22.2.
Variant type: single nucleotide variant.
Coding change: c.4630G>A on transcript NM_012330.4 (MANE Select); coding-DNA position 4630, G replaced by A.
Protein change: p.Ala1544Thr; replaces alanine 1544 with threonine.
Molecular consequence: missense variant.
Genome position (GRCh38, 1-based): chr10:75,029,454, G>A. VCF-style: chr10-75029454-G-A. GRCh37 (hg19) VCF-style: chr10-76789212-G-A.
Other names: c.4081G>A, p.Ala1361Thr (NM_001256468.2, NM_001370138.1); c.3754G>A, p.Ala1252Thr (NM_001256469.2, NM_001370139.1, NM_001370140.1 and 2 more transcripts); c.3592G>A, p.Ala1198Thr (NM_001370132.1); c.2941G>A, p.Ala981Thr (NM_001370133.1); c.2545G>A, p.Ala849Thr (NM_001370134.1); c.2287G>A, p.Ala763Thr (NM_001370135.1); c.4630G>A, p.Ala1544Thr (NM_001370136.1, NM_001370137.1); c.3565G>A, p.Ala1189Thr (NM_001370143.1, NM_001370144.1); short protein forms A1189T, A1198T, A1252T, A1361T, A1544T, A763T, A849T, A981T.
Identifiers: ClinVar variation 3253383 (VCV003253383.1), dbSNP rs2549204347.